The following is an entry in ClinVar:

ClinVar aggregate classification (germline): Uncertain significance. Review status: criteria provided, multiple submitters, no conflicts (2 of 4 stars). 4 submissions from 4 submitters: Uncertain significance (4). Last evaluated 2024-09-14.

Conditions:
Neuronal ceroid lipofuscinosis 3 (CLN3). Identifiers: Orphanet 228346, MedGen C0751383, MONDO:0008767, OMIM 204200.
Inborn genetic diseases. Identifiers: MedGen C0950123, MeSH D030342.
Neuronal ceroid lipofuscinosis. Also called: Neuronal Ceroid Lipofuscinoses. Identifiers: Orphanet 216, Orphanet 79263, MedGen C0027877, MONDO:0016295. Disease mechanism: loss of function.

Allele frequency attached by ClinVar (database versions not stated): gnomAD exomes 0.00001; ExAC 0.00002; TOPMed 0.00003; gnomAD 0.00004 and 0.00005.
gnomAD v4.1: 17 of 1,613,900 alleles (0.0011%); highest among the groups gnomAD compares: African/African-American, 0.004%; no homozygotes.

Submissions (4):

Labcorp Genetics (formerly Invitae), Labcorp
Classification: Uncertain significance for Neuronal ceroid lipofuscinosis. Last evaluated: 2024-09-14. Review status: criteria provided, single submitter. Criteria: Invitae Variant Classification Sherloc (09022015). Collection method: clinical testing. Allele origin: germline.
Comment: This sequence change replaces phenylalanine, which is neutral and non-polar, with serine, which is neutral and polar, at codon 11 of the CLN3 protein (p.Phe11Ser). This variant is present in population databases (rs752205710, gnomAD 0.004%). This variant has not been reported in the literature in individuals affected with CLN3-related conditions. ClinVar contains an entry for this variant (Variation ID: 424077). An algorithm developed to predict the effect of missense changes on protein structure and function (PolyPhen-2) suggests that this variant¬†is likely to be tolerated. In summary, the available evidence is currently insufficient to determine the role of this variant in disease. Therefore, it has been classified as a Variant of Uncertain Significance.

GeneDx
Classification: Uncertain significance. Last evaluated: 2024-05-15. Review status: criteria provided, single submitter. Criteria: GeneDx Variant Classification Process June 2021. Collection method: clinical testing. Allele origin: germline. Affected: yes.
Comment: Not observed at significant frequency in large population cohorts (gnomAD); In silico analysis indicates that this missense variant does not alter protein structure/function; Has not been previously published as pathogenic or benign to our knowledge

Ambry Genetics
Classification: Uncertain significance for Inborn genetic diseases. Last evaluated: 2024-04-17. Review status: criteria provided, single submitter. Criteria: Ambry Variant Classification Scheme 2023. Collection method: clinical testing. Allele origin: germline.

Genome-Nilou Lab
Classification: Uncertain significance for Neuronal ceroid lipofuscinosis 3. Last evaluated: 2021-09-05. Review status: criteria provided, single submitter. Criteria: ACMG Guidelines, 2015. Collection method: clinical testing. Allele origin: germline. Affected: no.

NM_001042432.2(CLN3):c.32T>C (p.Phe11Ser)

Gene: CLN3 (CLN3 lysosomal/endosomal transmembrane protein, battenin; minus strand). Cytogenetic location: 16p12.1.
Variant type: single nucleotide variant.
Coding change: c.32T>C on transcript NM_001042432.2 (MANE Select); coding-DNA position 32, T replaced by C.
Protein change: p.Phe11Ser; replaces phenylalanine 11 with serine.
Molecular consequence: missense variant. On other transcripts: 5 prime UTR variant (3).
Genome position (GRCh38, 1-based): chr16:28,491,728, A>G on the plus strand (T>C on the coding strand, the complement: CLN3 is on the minus strand). VCF-style: chr16-28491728-A-G. GRCh37 (hg19) VCF-style: chr16-28503049-A-G.
Other names: c.32T>C, p.Phe11Ser (NM_000086.2, NM_001286104.2); c.-110T>C (NM_001286105.2); c.-52T>C (NM_001286109.2, NM_001286110.2); short protein forms F11S.
Identifiers: ClinVar variation 424077 (VCV000424077.11), dbSNP rs752205710, ClinGen allele CA7981125.